The following is an entry in ClinVar:

NM_024809.5(TCTN2):c.902C>T (p.Ala301Val)

Gene: TCTN2 (tectonic family member 2; plus strand). Cytogenetic location: 12q24.31.
Variant type: single nucleotide variant.
Coding change: c.902C>T on transcript NM_024809.5 (MANE Select); coding-DNA position 902, C replaced by T.
Protein change: p.Ala301Val; replaces alanine 301 with valine.
Molecular consequence: missense variant.
Genome position (GRCh38, 1-based): chr12:123,690,543, C>T. VCF-style: chr12-123690543-C-T. GRCh37 (hg19) VCF-style: chr12-124175090-C-T.
Other names: c.899C>T, p.Ala300Val (NM_001143850.3); c.902C>T, p.Ala301Val (NM_001410989.1); short protein forms A300V, A301V.
Identifiers: ClinVar variation 1985733 (VCV001985733.4), dbSNP rs754091453, ClinGen allele CA6861047.

ClinVar aggregate classification (germline): Uncertain significance (1 of 4 stars; one submission).

Conditions:
Joubert syndrome. Also called: CEREBELLOPARENCHYMAL DISORDER IV; JOUBERT-BOLTSHAUSER SYNDROME; Familial aplasia of the vermis. Identifiers: Orphanet 475, MedGen C5979921, MONDO:0018772.
Meckel-Gruber syndrome. Also called: DYSENCEPHALIA SPLANCHNOCYSTICA; GRUBER SYNDROME; Dysencephalia splachnocystica. Identifiers: Orphanet 564, MedGen C0265215, MONDO:0018921.

Allele frequency attached by ClinVar (database versions not stated): ExAC 0.00002.
gnomAD v4.1: 7 of 1,614,196 alleles (0.00043%); highest among the groups gnomAD compares: South Asian, 0.0077%; no homozygotes.

Submission:

Labcorp Genetics (formerly Invitae), Labcorp
Classification: Uncertain significance for Joubert syndrome; Meckel-Gruber syndrome. Last evaluated: 2022-05-06. Review status: criteria provided, single submitter. Criteria: Invitae Variant Classification Sherloc (09022015). Collection method: clinical testing. Allele origin: germline.
Comment: This sequence change replaces alanine, which is neutral and non-polar, with valine, which is neutral and non-polar, at codon 301 of the TCTN2 protein (p.Ala301Val). This variant is present in population databases (rs754091453, gnomAD 0.01%). This variant has not been reported in the literature in individuals affected with TCTN2-related conditions. Algorithms developed to predict the effect of missense changes on protein structure and function output the following: SIFT: "Tolerated"; PolyPhen-2: "Possibly Damaging"; Align-GVGD: "Class C0". The valine amino acid residue is found in multiple mammalian species, which suggests that this missense change does not adversely affect protein function. In summary, the available evidence is currently insufficient to determine the role of this variant in disease. Therefore, it has been classified as a Variant of Uncertain Significance.